The following is an entry in ClinVar:

ClinVar aggregate classification (germline): Pathogenic. Review status: criteria provided, multiple submitters, no conflicts (2 of 4 stars). 2 submissions from 2 submitters: Pathogenic (2). Last evaluated 2025-02-10.

Conditions:
SERPING1-related disorder. Also called: SERPING1-related condition.

Submissions (2):

Labcorp Genetics (formerly Invitae), Labcorp
Classification: Pathogenic. Last evaluated: 2025-02-10. Review status: criteria provided, single submitter. Criteria: Invitae Variant Classification Sherloc (09022015). Collection method: clinical testing. Allele origin: germline.
Comment: This sequence change affects the initiator methionine of the SERPING1 mRNA. The next in-frame methionine is located at codon 53. This variant is not present in population databases (gnomAD no frequency). Disruption of the initiator codon has been observed in individuals with hereditary angioedema (PMID: 18535392, 21832835, 24456027). It has also been observed to segregate with disease in related individuals. For these reasons, this variant has been classified as Pathogenic.

Blueprint Genetics
Classification: Pathogenic for SERPING1-related disorders. Last evaluated: 2024-11-20. Review status: criteria provided, single submitter. Criteria: ACMG Guidelines, 2015. Collection method: clinical testing. Allele origin: germline. Affected: yes. Observed: 1 variant allele.

Literature cited by the submitters: PubMed 18535392 (cited by Labcorp Genetics (formerly Invitae), Labcorp); PubMed 21832835 (cited by Labcorp Genetics (formerly Invitae), Labcorp); PubMed 24456027 (cited by Labcorp Genetics (formerly Invitae), Labcorp).

NM_000062.3(SERPING1):c.2T>C (p.Met1Thr)

Gene: SERPING1 (serpin family G member 1; plus strand). Cytogenetic location: 11q12.1.
Variant type: single nucleotide variant.
Coding change: c.2T>C on transcript NM_000062.3 (MANE Select); coding-DNA position 2, T replaced by C.
Protein change: p.Met1Thr; changes the start codon (methionine 1).
Molecular consequence: missense variant, initiator codon variant.
Genome position (GRCh38, 1-based): chr11:57,598,272, T>C. VCF-style: chr11-57598272-T-C. GRCh37 (hg19) VCF-style: chr11-57365745-T-C.
Other names: c.2T>C, p.Met1Thr (NM_001032295.2); short protein forms M1T.
Identifiers: ClinVar variation 4709830 (VCV004709830.2).